The following is an entry in ClinVar:

ClinVar aggregate classification (germline): Uncertain significance (0 of 4 stars; one submission).

Conditions:
PTPRS-related disorder. Also called: PTPRS-related condition.

Allele frequency attached by ClinVar (database versions not stated): ExAC 0.00002; gnomAD exomes 0.00003; TOPMed 0.00007; gnomAD 0.00009; ESP Exome Variant Server 0.00015.
gnomAD v4.1: 56 of 1,613,958 alleles (0.0035%); highest among the groups gnomAD compares: African/African-American, 0.011%; no homozygotes.

Submissions (2):

PreventionGenetics, part of Exact Sciences
Classification: Uncertain significance for PTPRS-related condition. Last evaluated: 2023-11-08. Review status: no assertion criteria provided. Collection method: clinical testing. Allele origin: germline.
Comment: The PTPRS c.5712C>T variant is not predicted to result in an amino acid change (p.=). This variant is predicted to create a cryptic splice donor site (Alamut Visual Plus v1.6.1). To our knowledge, this variant has not been reported in the literature. This variant is reported in 0.0062% of alleles in individuals of European (Non-Finnish) descent in gnomAD. At this time, the clinical significance of this variant is uncertain due to the absence of conclusive functional and genetic evidence.

Dr. Peter K. Rogan Lab, Western University
No classification provided (evidence only). Condition: Familial cancer of breast. Review status: no classification provided. Collection method: in vitro. Allele origin: not applicable. Functional consequence: retained intron. Not counted in ClinVar's aggregate classification.

NM_002850.4(PTPRS):c.5712C>T (p.Gly1904=)

Gene: PTPRS (protein tyrosine phosphatase receptor type S; minus strand). Cytogenetic location: 19p13.3.
Variant type: single nucleotide variant.
Coding change: c.5712C>T on transcript NM_002850.4 (MANE Select); coding-DNA position 5712, C replaced by T.
Protein change: p.Gly1904=; no amino-acid change (glycine 1904 retained).
Molecular consequence: synonymous variant.
Genome position (GRCh38, 1-based): chr19:5,207,988, G>A on the plus strand (C>T on the coding strand, the complement: PTPRS is on the minus strand). VCF-style: chr19-5207988-G-A. GRCh37 (hg19) VCF-style: chr19-5207999-G-A.
Other names: NC_000019.9:g.5207999G>A; c.5646C>T, p.Gly1882= (NM_001394011.1); c.5625C>T, p.Gly1875= (NM_001394012.1); c.5586C>T, p.Gly1862= (NM_001394013.1); c.4371C>T, p.Gly1457= (NM_130853.3); c.5598C>T, p.Gly1866= (NM_130854.3); c.4383C>T, p.Gly1461= (NM_130855.3).
Identifiers: ClinVar variation 3055096 (VCV003055096.3), dbSNP rs368528400, ClinGen allele CA9108649.
Genomic context (GRCh38, chr19:5,207,988, plus strand): 5'-CTGCACCATGGCCGGCCGCTGGGTTCGTAGCATCTTCACCGTCTGAAAGATGTCCACCAC[G>A]CCTTCATACCGCATCCGCTCCAGCACGATGCTAAGCGTGATGAAGACGCCCGTCCTGCCC-3'
Protein context (NP_002841.3, residues 1894-1914): SIVLERMRYE[Gly1904=]VVDIFQTVKM